The following is an entry in ClinVar:

NM_000132.4(F8):c.144-13T>G

Gene: F8 (coagulation factor VIII; minus strand). Cytogenetic location: Xq28.
Variant type: single nucleotide variant.
Coding change: c.144-13T>G on transcript NM_000132.4 (MANE Select); 13 bases into the intron before coding-DNA position 144, T replaced by G.
Molecular consequence: intron variant.
Genome position (GRCh38, 1-based): chrX:154,999,613, A>C on the plus strand (T>G on the coding strand, the complement: F8 is on the minus strand). VCF-style: chrX-154999613-A-C. GRCh37 (hg19) VCF-style: chrX-154227888-A-C.
Identifiers: ClinVar variation 1330609 (VCV001330609.9), dbSNP rs782248521, ClinGen allele CA10568630.

ClinVar aggregate classification (germline): Likely benign. Review status: criteria provided, multiple submitters, no conflicts (2 of 4 stars). 2 submissions from 2 submitters: Likely benign (2). Last evaluated 2025-06-23.

Allele frequency attached by ClinVar (database versions not stated): TOPMed below 0.00001; ExAC 0.00001; gnomAD exomes 0.00002 and 0.00001; gnomAD 0.00001.
gnomAD v4.1: 5 of 1,199,071 alleles (0.00042%); highest among the groups gnomAD compares: Admixed American, 0.011%; no homozygotes.

Submissions (2):

ARUP Laboratories, Molecular Genetics and Genomics, ARUP Laboratories
Classification: Likely benign. Last evaluated: 2025-06-23. Review status: criteria provided, single submitter. Criteria: ARUP Molecular Germline Variant Investigation Process 2024. Collection method: clinical testing. Allele origin: germline.

Women's Health and Genetics/Laboratory Corporation of America, LabCorp
Classification: Likely benign. Last evaluated: 2025-05-26. Review status: criteria provided, single submitter. Criteria: LabCorp Variant Classification Summary - May 2015. Collection method: clinical testing. Allele origin: germline.
Comment: Variant summary: F8 c.144-13T>G alters a non-conserved nucleotide located at a position not widely known to affect splicing. Consensus agreement among computation tools predict no significant impact on normal splicing. However, these predictions have yet to be confirmed by functional studies. The variant allele was found at a frequency of 2.2e-05 in 183124 control chromosomes. The available data on variant occurrences in the general population are insufficient to allow any conclusion about variant significance. To our knowledge, no occurrence of c.144-13T>G in individuals affected with Factor VIII Deficiency (Hemophilia A) and no experimental evidence demonstrating its impact on protein function have been reported. ClinVar contains an entry for this variant (Variation ID: 1330609). Based on the evidence outlined above, the variant was classified as likely benign.